The following is an entry in ClinVar:

NM_001002755.4(NFU1):c.545G>A (p.Arg182Gln)

Gene: NFU1 (NFU1 iron-sulfur cluster scaffold; minus strand). Cytogenetic location: 2p13.3.
Variant type: single nucleotide variant.
Coding change: c.545G>A on transcript NM_001002755.4 (MANE Select); coding-DNA position 545, G replaced by A.
Protein change: p.Arg182Gln; replaces arginine 182 with glutamine.
Molecular consequence: missense variant. On other transcripts: non-coding transcript variant (2).
Genome position (GRCh38, 1-based): chr2:69,406,022, C>T on the plus strand (G>A on the coding strand, the complement: NFU1 is on the minus strand). VCF-style: chr2-69406022-C-T. GRCh37 (hg19) VCF-style: chr2-69633154-C-T.
Other names: NC_000002.11:g.69633154C>T; 545G-A; c.122G>A, p.Arg41Gln (NM_001002756.2); c.473G>A, p.Arg158Gln (NM_001374284.1, NM_015700.4); short protein forms R182Q, R41Q, R158Q.
Identifiers: ClinVar variation 1031688 (VCV001031688.17), dbSNP rs1281276965, ClinGen allele CA347123809.

ClinVar aggregate classification (germline): Pathogenic/Likely pathogenic. Review status: criteria provided, multiple submitters, no conflicts (2 of 4 stars). 6 submissions from 6 submitters: Pathogenic (2); Likely pathogenic (3). 1 of the submissions does not count toward it. Last evaluated 2025-10-01.

Conditions:
Multiple mitochondrial dysfunctions syndrome 1 (MMDS1). Identifiers: Orphanet 401869, MedGen C3276432, MONDO:0011582, OMIM 605711.
Spastic paraplegia 93, autosomal recessive. Identifiers: MedGen C5975375, MONDO:0975796, OMIM 620938.
NFU1-related disorder. Also called: NFU1-related condition.

Allele frequency attached by ClinVar (database versions not stated): gnomAD exomes below 0.00001 and 0.00001.
gnomAD v4.1: 6 of 1,586,754 alleles (0.00038%); highest among the groups gnomAD compares: East Asian, 0.0022%; no homozygotes.

Submissions (7):

Hadassah Hebrew University Medical Center
Classification: Pathogenic for Spastic paraplegia 93, autosomal recessive. Last evaluated: 2025-10-01. Review status: criteria provided, single submitter. Criteria: ACMG Guidelines, 2015. Collection method: clinical testing. Allele origin: germline. Affected: yes.
Comment: This is a rare missense variant previously described in both homozygous and compound heterozygous states in individuals with NFU1-related disorders (see PMIDs: 21944046, 29441221). RT-PCR studies published in the medical literature, demonstrate that this variant affects mRNA splicing (see PMID: 21944046). RNA studies demonstrated two distinct aberrant transcripts (skipping of exon 6 and concurrent skipping of exons 6 and 7) result in a frameshift and introduce a a premature termination codon, which is predicted to lead to loss of function through either nonsense-mediated mRNA decay (NMD) or protein truncation.

PreventionGenetics, part of Exact Sciences
Classification: Pathogenic for NFU1-related condition. Last evaluated: 2025-09-18. Review status: criteria provided, single submitter. Criteria: ACMG Guidelines, 2015. Collection method: clinical testing. Allele origin: germline.
Comment: The NFU1 c.545G>A variant is predicted to result in the amino acid substitution p.Arg182Gln. This variant has been reported in the homozygous or compound heterozygous state in individuals with NFU1-related disorders (Cameron et al. 2011. PubMed ID: 21944046; de Souza et al. 2017. PubMed ID: 29441221; supplementary data, Liu et al. 2021. PubMed ID: 34298581, reported as Arg158Gln; Stark et al. 2025. PubMed ID: 40597352). RT-PCR studies suggest this variant impacts mRNA splicing (Cameron et al. 2011. PubMed ID: 21944046). This variant is reported in 0.0054% of alleles in individuals of East Asian descent in gnomAD. Another missense variant affecting this amino acid (p.Arg182Trp) has also been reported in individuals with multiple mitochondrial dysfunctions syndrome (Birjiniuk et al. 2020. PubMed ID: 31970900). The c.545G>A (p.Arg182Gln) variant is interpreted as pathogenic.

Variantyx, Inc.
Classification: Likely pathogenic for Multiple mitochondrial dysfunctions syndrome 1. Last evaluated: 2025-07-29. Review status: criteria provided, single submitter. Criteria: Variantyx Assertion Criteria 2022. Collection method: clinical testing. Allele origin: germline. Inheritance: Autosomal recessive inheritance. Affected: no.
Comment: This is a nonsynonymous variant in the NFU1 gene (OMIM: 608100). Pathogenic variants in this gene have been associated with autosomal recessive multiple mitochondrial dysfunctions syndrome 1. This variant has been identified in the homozygous or compound heterozygous state in individuals reported in the published literature (PMID: 34440194, 21944046, 29441221) (PM3). An alternate amino acid change at this position (p.Arg182Trp) has been previously reported in similarly affected individuals, which suggests that this residue is biologically important (PMID: 34440194) (PM5), and multiple computational algorithms predict a deleterious effect for this variant (REVEL score: 0.899) (PP3). It has a 0.0025% maximum allele frequency in non-founder control populations (PM2). Based on the current evidence, this variant is classified as likely pathogenic for autosomal recessive multiple mitochondrial dysfunctions syndrome 1.

Genomic Medicine Center of Excellence, King Faisal Specialist Hospital and Research Centre
Classification: Likely pathogenic for Multiple mitochondrial dysfunctions syndrome 1. Last evaluated: 2024-03-26. Review status: criteria provided, single submitter. Criteria: ACMG Guidelines, 2015. Collection method: clinical testing. Allele origin: germline.

Baylor Genetics
Classification: Likely pathogenic for Multiple mitochondrial dysfunctions syndrome 1. Last evaluated: 2018-01-29. Review status: criteria provided, single submitter. Criteria: ACMG Guidelines, 2015. Collection method: clinical testing. Allele origin: unknown. Affected: yes.
Comment: This variant was determined to be likely pathogenic according to ACMG Guidelines, 2015 [PMID:25741868]. This variant has been previously reported in a patient with multiple mitochondrial dysfunctions syndrome [PMID 21944046]

OMIM
Classification: Pathogenic for MULTIPLE MITOCHONDRIAL DYSFUNCTIONS SYNDROME 1. Last evaluated: 2011-11-11. Review status: no assertion criteria provided. Collection method: literature only. Allele origin: germline. Not counted in ClinVar's aggregate classification.

Dr. Peter K. Rogan Lab, Western University
No classification provided (evidence only). Condition: Uterine corpus endometrial carcinoma. Review status: no classification provided. Collection method: in vitro. Allele origin: not applicable. Functional consequence: skipped exon. Not counted in ClinVar's aggregate classification.

Literature cited by the submitters: PubMed 21944046 (cited by 4 submitters); PubMed 29441221 (cited by Hadassah Hebrew University Medical Center and Variantyx, Inc.); PubMed 34440194 (cited by Variantyx, Inc.); PubMed 11156534 (cited by OMIM); PubMed 22077971 (cited by OMIM).